The following is an entry in ClinVar:

NM_000053.4(ATP7B):c.3938T>C (p.Leu1313Pro)

Gene: ATP7B (ATPase copper transporting beta; minus strand). Cytogenetic location: 13q14.3.
Variant type: single nucleotide variant.
Coding change: c.3938T>C on transcript NM_000053.4 (MANE Select); coding-DNA position 3938, T replaced by C.
Protein change: p.Leu1313Pro; replaces leucine 1313 with proline.
Molecular consequence: missense variant.
Genome position (GRCh38, 1-based): chr13:51,937,359, A>G on the plus strand (T>C on the coding strand, the complement: ATP7B is on the minus strand). VCF-style: chr13-51937359-A-G. GRCh37 (hg19) VCF-style: chr13-52511495-A-G.
Other names: c.3317T>C, p.Leu1106Pro (NM_001005918.3); c.3605T>C, p.Leu1202Pro (NM_001243182.2); c.3704T>C, p.Leu1235Pro (NM_001330578.2, NM_001406527.1, NM_001406528.1); c.3686T>C, p.Leu1229Pro (NM_001330579.2, NM_001406531.1, NM_001406532.1); c.3938T>C, p.Leu1313Pro (NM_001406511.1, NM_001406512.1); c.3932T>C, p.Leu1311Pro (NM_001406513.1); c.3905T>C, p.Leu1302Pro (NM_001406514.1); c.3884T>C, p.Leu1295Pro (NM_001406515.1, NM_001406516.1); and 21 more; short protein forms L1187P, L1235P, L1252P, L1254P, L1311P, L1245P, L1268P, L1097P.
Identifiers: ClinVar variation 2736039 (VCV002736039.3), dbSNP rs2547564954, ClinGen allele CA388021152.

ClinVar aggregate classification (germline): Likely pathogenic (1 of 4 stars; one submission).

Conditions:
Wilson disease (WND). Also called: Wilson's disease. Identifiers: Orphanet 905, MedGen C0019202, MONDO:0010200, OMIM 277900. Disease mechanism: loss of function.

gnomAD v4.1: 2 of 1,614,232 alleles (0.00012%); highest among the groups gnomAD compares: South Asian, 0.0022%; no homozygotes.

Submission:

Labcorp Genetics (formerly Invitae), Labcorp
Classification: Likely pathogenic for Wilson disease. Last evaluated: 2024-02-13. Review status: criteria provided, single submitter. Criteria: Invitae Variant Classification Sherloc (09022015). Collection method: clinical testing. Allele origin: germline.
Comment: This sequence change replaces leucine, which is neutral and non-polar, with proline, which is neutral and non-polar, at codon 1313 of the ATP7B protein (p.Leu1313Pro). This variant is not present in population databases (gnomAD no frequency). This missense change has been observed in individual(s) with Wilson disease (PMID: 24094725). In at least one individual the data is consistent with being in trans (on the opposite chromosome) from a pathogenic variant. Advanced modeling of protein sequence and biophysical properties (such as structural, functional, and spatial information, amino acid conservation, physicochemical variation, residue mobility, and thermodynamic stability) performed at Invitae indicates that this missense variant is expected to disrupt ATP7B protein function with a positive predictive value of 80%. This variant disrupts the p.Leu1313 amino acid residue in ATP7B. Other variant(s) that disrupt this residue have been observed in individuals with ATP7B-related conditions (PMID: 24094725, 24720933, 30120852), which suggests that this may be a clinically significant amino acid residue. In summary, the currently available evidence indicates that the variant is pathogenic, but additional data are needed to prove that conclusively. Therefore, this variant has been classified as Likely Pathogenic.

Literature cited by the submitters: PubMed 24094725; PubMed 24720933; PubMed 30120852.